The following is an entry in ClinVar:

NM_005655.4(KLF10):c.847A>C (p.Asn283His)

Gene: KLF10 (KLF transcription factor 10; minus strand). Cytogenetic location: 8q22.3.
Variant type: single nucleotide variant.
Coding change: c.847A>C on transcript NM_005655.4 (MANE Select); coding-DNA position 847, A replaced by C.
Protein change: p.Asn283His; replaces asparagine 283 with histidine.
Molecular consequence: missense variant.
Genome position (GRCh38, 1-based): chr8:102,651,485, T>G on the plus strand (A>C on the coding strand, the complement: KLF10 is on the minus strand). VCF-style: chr8-102651485-T-G. GRCh37 (hg19) VCF-style: chr8-103663713-T-G.
Other names: c.814A>C, p.Asn272His (NM_001032282.4); short protein forms N272H, N283H.
Identifiers: ClinVar variation 3019479 (VCV003019479.3), dbSNP rs781086319, ClinGen allele CA4833534.

ClinVar aggregate classification (germline): Uncertain significance (1 of 4 stars; one submission).

Allele frequency attached by ClinVar (database versions not stated): gnomAD exomes below 0.00001; ExAC 0.00001; gnomAD 0.00001.

Submission:

Labcorp Genetics (formerly Invitae), Labcorp
Classification: Uncertain significance. Last evaluated: 2023-08-03. Review status: criteria provided, single submitter. Criteria: Invitae Variant Classification Sherloc (09022015). Collection method: clinical testing. Allele origin: germline.
Comment: In summary, the available evidence is currently insufficient to determine the role of this variant in disease. Therefore, it has been classified as a Variant of Uncertain Significance. An algorithm developed to predict the effect of missense changes on protein structure and function (PolyPhen-2) suggests that this variant is likely to be disruptive. This variant has not been reported in the literature in individuals affected with KLF10-related conditions. This variant is present in population databases (rs781086319, gnomAD 0.003%). This sequence change replaces asparagine, which is neutral and polar, with histidine, which is basic and polar, at codon 283 of the KLF10 protein (p.Asn283His).